The following is an entry in ClinVar:

NM_001876.4(CPT1A):c.879A>G (p.Pro293=)

Gene: CPT1A (carnitine palmitoyltransferase 1A; minus strand). Cytogenetic location: 11q13.3.
Variant type: single nucleotide variant.
Coding change: c.879A>G on transcript NM_001876.4 (MANE Select); coding-DNA position 879, A replaced by G.
Protein change: p.Pro293=; no amino-acid change (proline 293 retained).
Molecular consequence: synonymous variant.
Genome position (GRCh38, 1-based): chr11:68,794,804, T>C on the plus strand (A>G on the coding strand, the complement: CPT1A is on the minus strand). VCF-style: chr11-68794804-T-C. GRCh37 (hg19) VCF-style: chr11-68562272-T-C.
Other names: c.879A>G, p.Pro293= (NM_001031847.3).
Identifiers: ClinVar variation 1916609 (VCV001916609.2), dbSNP rs2495618467, ClinGen allele CA475203594.

ClinVar aggregate classification (germline): Uncertain significance (1 of 4 stars; one submission).

Conditions:
Carnitine palmitoyl transferase 1A deficiency. Also called: CPT deficiency, hepatic, type IA; Carnitine palmitoyltransferase 1A deficiency; CPT I DEFICIENCY; CPT DEFICIENCY, HEPATIC, TYPE I; Carnitine palmitoyltransferase type I deficiency. Identifiers: Orphanet 156, MedGen C1829703, MONDO:0009705, OMIM 255120.

Submission:

Labcorp Genetics (formerly Invitae), Labcorp
Classification: Uncertain significance for Carnitine palmitoyl transferase 1A deficiency. Last evaluated: 2022-06-08. Review status: criteria provided, single submitter. Criteria: Invitae Variant Classification Sherloc (09022015). Collection method: clinical testing. Allele origin: germline.
Comment: This sequence change affects codon 293 of the CPT1A mRNA. It is a 'silent' change, meaning that it does not change the encoded amino acid sequence of the CPT1A protein. It affects a nucleotide within the consensus splice site. This variant is not present in population databases (gnomAD no frequency). This variant has not been reported in the literature in individuals affected with CPT1A-related conditions. Algorithms developed to predict the effect of sequence changes on RNA splicing suggest that this variant may disrupt the consensus splice site. In summary, the available evidence is currently insufficient to determine the role of this variant in disease. Therefore, it has been classified as a Variant of Uncertain Significance.